The following is an entry in ClinVar:

ClinVar aggregate classification (germline): Conflicting classifications of pathogenicity. Review status: criteria provided, conflicting classifications (1 of 4 stars). 5 submissions from 4 submitters: Uncertain significance (2); Likely benign (2). 1 of the submissions does not count toward it. Last evaluated 2025-03-21.

Conditions:
Waardenburg syndrome. Also called: Waardenburg's syndrome. Identifiers: Orphanet 3440, MedGen C3266898, MONDO:0018094.
SOX10-related disorder. Also called: SOX10-related condition.
PCWH syndrome. Also called: WAARDENBURG-SHAH SYNDROME, NEUROLOGIC VARIANT. Identifiers: Orphanet 163746, MedGen C1836727, MONDO:0012198, OMIM 609136.

Allele frequency attached by ClinVar (database versions not stated): gnomAD 0.00001; TOPMed 0.00002.
gnomAD v4.1: 24 of 1,612,880 alleles (0.0015%); highest among the groups gnomAD compares: Middle Eastern, 0.016%; no homozygotes.

Submissions (5):

Women's Health and Genetics/Laboratory Corporation of America, LabCorp
Classification: Likely benign. Last evaluated: 2025-03-21. Review status: criteria provided, single submitter. Criteria: LabCorp Variant Classification Summary - May 2015. Collection method: clinical testing. Allele origin: germline.

Blueprint Genetics
Classification: Likely benign. Last evaluated: 2023-02-02. Review status: criteria provided, single submitter. Criteria: ACMG Guidelines, 2015. Collection method: clinical testing. Allele origin: germline.

Illumina Laboratory Services, Illumina
Classification: Uncertain significance for PCWH syndrome. Last evaluated: 2018-01-13. Review status: criteria provided, single submitter. Criteria: ICSL Variant Classification Criteria 13 December 2019. Collection method: clinical testing. Allele origin: germline.

Illumina Laboratory Services, Illumina
Classification: Uncertain significance for Waardenburg syndrome. Last evaluated: 2018-01-13. Review status: criteria provided, single submitter. Criteria: ICSL Variant Classification Criteria 13 December 2019. Collection method: clinical testing. Allele origin: germline.

PreventionGenetics, part of Exact Sciences
Classification: Likely benign for SOX10-related condition. Last evaluated: 2024-07-18. Review status: no assertion criteria provided. Collection method: clinical testing. Allele origin: germline. Not counted in ClinVar's aggregate classification.
Comment: This variant is classified as likely benign based on ACMG/AMP sequence variant interpretation guidelines (Richards et al. 2015 PMID: 25741868, with internal and published modifications).

NM_006941.4(SOX10):c.906G>A (p.Pro302=)

Genes: POLR2F (RNA polymerase II, I and III subunit F; plus strand), SOX10 (SRY-box transcription factor 10; minus strand). Cytogenetic location: 22q13.1.
Variant type: single nucleotide variant.
Coding change: c.906G>A on transcript NM_006941.4 (MANE Select); coding-DNA position 906, G replaced by A.
Protein change: p.Pro302=; no amino-acid change (proline 302 retained).
Molecular consequence: synonymous variant. On other transcripts: intron variant (3).
Genome position (GRCh38, 1-based): chr22:37,973,990, C>T on the plus strand (G>A on the coding strand, the complement: SOX10 is on the minus strand). VCF-style: chr22-37973990-C-T. GRCh37 (hg19) VCF-style: chr22-38369997-C-T.
Other names: c.*38+1680C>T (NM_001363825.1); c.293+6820C>T (NM_001301130.2, NM_001301131.2).
Identifiers: ClinVar variation 341616 (VCV000341616.10), dbSNP rs774324385, ClinGen allele CA10228571.